The following is an entry in ClinVar:

NM_000444.6(PHEX):c.1292del (p.Lys431fs)

Gene: PHEX (phosphate regulating endopeptidase X-linked; plus strand). Cytogenetic location: Xp22.11.
Variant type: Deletion.
Coding change: c.1292del on transcript NM_000444.6 (MANE Select); coding-DNA position 1292, one base deleted (A; older notation c.1292delA).
Protein change: p.Lys431fs; shifts the reading frame from lysine 431.
Molecular consequence: frameshift variant.
Genome position (GRCh38, 1-based): chrX:22,114,576, A deleted; the last of 2 consecutive A bases (chrX:22,114,575-22,114,576); deleting either gives the same sequence. VCF-style (leftmost placement, unchanged base first): chrX-22114574-TA-T. GRCh37 (hg19) VCF-style: chrX-22132692-TA-T.
Other names: c.1292del, p.Lys431fs (NM_001282754.2); short protein forms K431fs.
Identifiers: ClinVar variation 2031361 (VCV002031361.4), dbSNP rs2518520860, ClinGen allele CA2580100498.

ClinVar aggregate classification (germline): Pathogenic (1 of 4 stars; one submission).

Submission:

Labcorp Genetics (formerly Invitae), Labcorp
Classification: Pathogenic. Last evaluated: 2022-09-27. Review status: criteria provided, single submitter. Criteria: Invitae Variant Classification Sherloc (09022015). Collection method: clinical testing. Allele origin: germline.
Comment: This sequence change creates a premature translational stop signal (p.Lys431Argfs*4) in the PHEX gene. It is expected to result in an absent or disrupted protein product. Loss-of-function variants in PHEX are known to be pathogenic (PMID: 9097956, 9106524, 19219621). For these reasons, this variant has been classified as Pathogenic. This variant has not been reported in the literature in individuals affected with PHEX-related conditions. This variant is not present in population databases (gnomAD no frequency).

Literature cited by the submitters: PubMed 9097956; PubMed 9106524; PubMed 19219621.